The following is an entry in ClinVar:

NM_000719.7(CACNA1C):c.3285G>A (p.Lys1095=)

Gene: CACNA1C (calcium voltage-gated channel subunit alpha1 C; plus strand). Cytogenetic location: 12p13.33.
Variant type: single nucleotide variant.
Coding change: c.3285G>A on transcript NM_000719.7 (MANE Select); coding-DNA position 3285, G replaced by A.
Protein change: p.Lys1095=; no amino-acid change (lysine 1095 retained).
Molecular consequence: synonymous variant.
Genome position (GRCh38, 1-based): chr12:2,607,059, G>A. VCF-style: chr12-2607059-G-A. GRCh37 (hg19) VCF-style: chr12-2716225-G-A.
Other names: c.3345G>A, p.Lys1115= (NM_001129827.2, NM_001129832.2, NM_199460.4); c.3285G>A, p.Lys1095= (NM_001129829.2, NM_001129830.3, NM_001129831.2 and 15 more transcripts); c.3276G>A, p.Lys1092= (NM_001129844.2).
Identifiers: ClinVar variation 704212 (VCV000704212.16), dbSNP rs900491834, ClinGen allele CA231604232.
Genomic context (GRCh38, chr12:2,607,059, plus strand): 5'-GTACAAAGACGGGGAGGTTGACCACCCCATCATCCAACCCCGCAGCTGGGAGAACAGCAA[G>A]TTTGACTTTGACAATGTTCTGGCAGCCATGATGGCCCTCTTCACCGTCTCCACCTTCGAA-3'
Protein context (NP_000710.5, residues 1085-1105): IIQPRSWENS[Lys1095=]FDFDNVLAAM

ClinVar aggregate classification (germline): Likely benign. Review status: criteria provided, multiple submitters, no conflicts (2 of 4 stars). 3 submissions from 3 submitters: Likely benign (3). Last evaluated 2026-09-15.

Conditions:
CACNA1C-related disorder. Also called: CACNA1C-related condition; CACNA1C-related disorders. Identifiers: MedGen CN381092, MONDO:0700321.
Cardiovascular phenotype. Identifiers: MedGen CN230736.
Long QT syndrome (LQTS). Identifiers: MedGen C0023976, MeSH D008133, MONDO:0002442. Disease mechanism: loss of function. Inheritance: Various modes of inheritance.

Allele frequency attached by ClinVar (database versions not stated): gnomAD exomes below 0.00001; gnomAD 0.00002; TOPMed 0.00002.
gnomAD v4.1: 9 of 1,613,860 alleles (0.00056%); highest among the groups gnomAD compares: African/African-American, 0.0067%; no homozygotes.

Submissions (3):

PreventionGenetics, part of Exact Sciences
Classification: Likely benign for CACNA1C-related condition. Last evaluated: 2026-09-15. Review status: criteria provided, single submitter. Criteria: ACMG Guidelines, 2015. Collection method: clinical testing. Allele origin: germline.
Comment: This variant is classified as likely benign based on ACMG/AMP sequence variant interpretation guidelines (Richards et al. 2015 PMID: 25741868, with internal and published modifications).

Labcorp Genetics (formerly Invitae), Labcorp
Classification: Likely benign for Long QT syndrome. Last evaluated: 2025-06-22. Review status: criteria provided, single submitter. Criteria: Invitae Variant Classification Sherloc (09022015). Collection method: clinical testing. Allele origin: germline.

Ambry Genetics
Classification: Likely benign for Cardiovascular phenotype. Last evaluated: 2020-03-31. Review status: criteria provided, single submitter. Criteria: Ambry Variant Classification Scheme 2023. Collection method: clinical testing. Allele origin: germline.